The following is an entry in ClinVar:

NC_000019.10:g.39480797G>A

Gene: TIMM50 (translocase of inner mitochondrial membrane 50; plus strand). Cytogenetic location: 19q13.2.
Variant type: single nucleotide variant.
Genome position: GRCh38 VCF-style: chr19-39480797-G-A. GRCh37 (hg19) VCF-style: chr19-39971437-G-A.
Identifiers: ClinVar variation 2969253 (VCV002969253.2), dbSNP rs1407878560, ClinGen allele CA405785686.

ClinVar aggregate classification (germline): Uncertain significance. Review status: criteria provided, multiple submitters, no conflicts (2 of 4 stars). 2 submissions from 2 submitters: Uncertain significance (2). Last evaluated 2024-01-02.

Conditions:
Inborn genetic diseases. Identifiers: MedGen C0950123, MeSH D030342.

Allele frequency attached by ClinVar (database versions not stated): TOPMed below 0.00001; gnomAD exomes below 0.00001.

Submissions (2):

Labcorp Genetics (formerly Invitae), Labcorp
Classification: Uncertain significance. Last evaluated: 2024-01-02. Review status: criteria provided, single submitter. Criteria: Invitae Variant Classification Sherloc (09022015). Collection method: clinical testing. Allele origin: germline.
Comment: This sequence change replaces glycine, which is neutral and non-polar, with serine, which is neutral and polar, at codon 85 of the TIMM50 protein (p.Gly85Ser). This variant is not present in population databases (gnomAD no frequency). This variant has not been reported in the literature in individuals affected with TIMM50-related conditions. Algorithms developed to predict the effect of missense changes on protein structure and function output the following: SIFT: "Not Available"; PolyPhen-2: "Benign"; Align-GVGD: "Not Available". The serine amino acid residue is found in multiple mammalian species, which suggests that this missense change does not adversely affect protein function. In summary, the available evidence is currently insufficient to determine the role of this variant in disease. Therefore, it has been classified as a Variant of Uncertain Significance.

Ambry Genetics
Classification: Uncertain significance for Inborn genetic diseases. Last evaluated: 2023-12-11. Review status: criteria provided, single submitter. Criteria: Ambry Variant Classification Scheme 2023. Collection method: clinical testing. Allele origin: germline.